The following is an entry in ClinVar:

ClinVar aggregate classification (germline): Uncertain significance (1 of 4 stars; one submission).

Conditions:
CHD4-related disorder. Also called: CHD4-related condition.

Submission:

PreventionGenetics, part of Exact Sciences
Classification: Uncertain significance for CHD4-related condition. Last evaluated: 2025-09-03. Review status: criteria provided, single submitter. Criteria: ACMG Guidelines, 2015. Collection method: clinical testing. Allele origin: germline.
Comment: The CHD4 c.980A>T variant is predicted to result in the amino acid substitution p.Asn327Ile. To our knowledge, this variant has not been reported in the literature or in a large population database (gnomAD), indicating this variant is rare. At this time, the clinical significance of this variant is uncertain due to the absence of conclusive functional and genetic evidence.

NM_001273.5(CHD4):c.980A>T (p.Asn327Ile)

Gene: CHD4 (chromodomain helicase DNA binding protein 4; minus strand). Cytogenetic location: 12p13.31.
Variant type: single nucleotide variant.
Coding change: c.980A>T on transcript NM_001273.5 (MANE Select); coding-DNA position 980, A replaced by T.
Protein change: p.Asn327Ile; replaces asparagine 327 with isoleucine.
Molecular consequence: missense variant.
Genome position (GRCh38, 1-based): chr12:6,600,617, T>A on the plus strand (A>T on the coding strand, the complement: CHD4 is on the minus strand). VCF-style: chr12-6600617-T-A. GRCh37 (hg19) VCF-style: chr12-6709783-T-A.
Other names: c.959A>T, p.Asn320Ile (NM_001297553.2); c.980A>T, p.Asn327Ile (NM_001363606.2); short protein forms N320I, N327I.
Identifiers: ClinVar variation 4992392 (VCV004992392.1).